The following is an entry in ClinVar:

ClinVar aggregate classification (germline): Benign. Review status: criteria provided, multiple submitters, no conflicts (2 of 4 stars). 2 submissions from 2 submitters: Benign (2). Last evaluated 2018-06-13.

Allele frequency attached by ClinVar (database versions not stated): gnomAD exomes 0.00329 and 0.00811; ExAC 0.00972; gnomAD 0.03007 and 0.03215; ESP Exome Variant Server 0.03252; TOPMed 0.03331; 1000 Genomes Project 0.03494; 1000 Genomes Project 30x 0.03701.
gnomAD v4.1: 9,644 of 1,613,466 alleles (0.6%); highest among the groups gnomAD compares: African/African-American, 11%; 455 homozygotes.

Submissions (2):

GeneDx
Classification: Benign. Last evaluated: 2018-06-13. Review status: criteria provided, single submitter. Criteria: GeneDx Variant Classification (06012015). Collection method: clinical testing. Allele origin: germline. Affected: yes.
Comment: This variant is considered likely benign or benign based on one or more of the following criteria: it is a conservative change, it occurs at a poorly conserved position in the protein, it is predicted to be benign by multiple in silico algorithms, and/or has population frequency not consistent with disease.

Breakthrough Genomics
Classification: Benign. Review status: criteria provided, single submitter. Criteria: ACMG Guidelines, 2015. Collection method: not provided. Allele origin: germline. Inheritance: Autosomal recessive inheritance. Affected: yes.

NM_001256317.3(TMPRSS3):c.1344+37G>C

Gene: TMPRSS3 (transmembrane serine protease 3; minus strand). Cytogenetic location: 21q22.3.
Variant type: single nucleotide variant.
Coding change: c.1344+37G>C on transcript NM_001256317.3 (MANE Select); 37 bases into the intron after coding-DNA position 1344, G replaced by C.
Molecular consequence: intron variant.
Genome position (GRCh38, 1-based): chr21:42,375,679, C>G on the plus strand (G>C on the coding strand, the complement: TMPRSS3 is on the minus strand). VCF-style: chr21-42375679-C-G. GRCh37 (hg19) VCF-style: chr21-43795788-C-G.
Other names: c.1347+37G>C (NM_024022.4); c.966+37G>C (NM_032404.3).
Identifiers: ClinVar variation 683348 (VCV000683348.2), dbSNP rs17114792, ClinGen allele CA10042233.